The following is an entry in ClinVar:

ClinVar aggregate classification (germline): Uncertain significance (1 of 4 stars; one submission).

Conditions:
Malignant hyperthermia, susceptibility to, 1 (MHS1). Also called: Anesthesia related hyperthermia; Malignant hyperpyrexia; Fulminating hyperpyrexia; Pharmacogenic myopathy; RYR1-Related Malignant Hyperthermia Susceptibility; Malignant hyperthermia suceptibility 1. Identifiers: Orphanet 423, MedGen C2930980, MONDO:0007783, OMIM 145600.

gnomAD v4.1: 4 of 1,613,960 alleles (0.00025%); highest among the groups gnomAD compares: Non-Finnish European, 0.00034%; no homozygotes.

Submission:

All of Us Research Program, National Institutes of Health
Classification: Uncertain significance for Malignant hyperthermia, susceptibility to, 1. Last evaluated: 2024-03-24. Review status: criteria provided, single submitter. Criteria: ACMG Guidelines, 2015. Collection method: clinical testing. Allele origin: germline. Inheritance: Autosomal dominant inheritance. Observed: 1 variant allele, 1 heterozygote.
Comment: This missense variant replaces alanine with threonine at codon 697 of the RYR1 protein. Computational prediction suggests that this variant may not impact protein structure and function (internally defined REVEL score threshold <= 0.5, PMID: 27666373). To our knowledge, functional studies have not been reported for this variant. This variant has not been reported in individuals affected with RYR1-related disorders in the literature. This variant has not been identified in the general population by the Genome Aggregation Database (gnomAD). The available evidence is insufficient to determine the role of this variant in disease conclusively. Therefore, this variant is classified as a Variant of Uncertain Significance.

This study involves interpretation of variants in research participants for the purpose of population health screening. Participant phenotype was not available at the time of variant classification. Additional details can be found in publication PMID: 35346344, PMCID: PMC8962531

NM_000540.3(RYR1):c.2089G>A (p.Ala697Thr)

Gene: RYR1 (ryanodine receptor 1; plus strand). Cytogenetic location: 19q13.2.
Variant type: single nucleotide variant.
Coding change: c.2089G>A on transcript NM_000540.3 (MANE Select); coding-DNA position 2089, G replaced by A.
Protein change: p.Ala697Thr; replaces alanine 697 with threonine.
Molecular consequence: missense variant.
Genome position (GRCh38, 1-based): chr19:38,458,214, G>A. VCF-style: chr19-38458214-G-A. GRCh37 (hg19) VCF-style: chr19-38948854-G-A.
Other names: c.2089G>A, p.Ala697Thr (NM_001042723.2); short protein forms A697T.
Identifiers: ClinVar variation 3387664 (VCV003387664.1).